The following is an entry in ClinVar:

ClinVar aggregate classification (germline): Uncertain significance. Review status: criteria provided, multiple submitters, no conflicts (2 of 4 stars). 2 submissions from 2 submitters: Uncertain significance (2). Last evaluated 2023-12-26.

Submissions (2):

Labcorp Genetics (formerly Invitae), Labcorp
Classification: Uncertain significance. Last evaluated: 2023-12-26. Review status: criteria provided, single submitter. Criteria: Invitae Variant Classification Sherloc (09022015). Collection method: clinical testing. Allele origin: germline.
Comment: This sequence change replaces threonine, which is neutral and polar, with isoleucine, which is neutral and non-polar, at codon 306 of the KIF11 protein (p.Thr306Ile). This variant is not present in population databases (gnomAD no frequency). This variant has not been reported in the literature in individuals affected with KIF11-related conditions. ClinVar contains an entry for this variant (Variation ID: 2662624). Advanced modeling of protein sequence and biophysical properties (such as structural, functional, and spatial information, amino acid conservation, physicochemical variation, residue mobility, and thermodynamic stability) performed at Invitae indicates that this missense variant is not expected to disrupt KIF11 protein function with a negative predictive value of 80%. In summary, the available evidence is currently insufficient to determine the role of this variant in disease. Therefore, it has been classified as a Variant of Uncertain Significance.

GeneDx
Classification: Uncertain significance. Last evaluated: 2023-04-11. Review status: criteria provided, single submitter. Criteria: GeneDx Variant Classification Process June 2021. Collection method: clinical testing. Allele origin: germline. Affected: yes.
Comment: Has not been previously published as pathogenic or benign to our knowledge; Not observed at significant frequency in large population cohorts (gnomAD); In silico analysis supports that this missense variant does not alter protein structure/function

NM_004523.4(KIF11):c.917C>T (p.Thr306Ile)

Gene: KIF11 (kinesin family member 11; plus strand). Cytogenetic location: 10q23.33.
Variant type: single nucleotide variant.
Coding change: c.917C>T on transcript NM_004523.4 (MANE Select); coding-DNA position 917, C replaced by T.
Protein change: p.Thr306Ile; replaces threonine 306 with isoleucine.
Molecular consequence: missense variant.
Genome position (GRCh38, 1-based): chr10:92,613,504, C>T. VCF-style: chr10-92613504-C-T. GRCh37 (hg19) VCF-style: chr10-94373261-C-T.
Other names: short protein forms T306I.
Identifiers: ClinVar variation 2662624 (VCV002662624.4), dbSNP rs2492490313, ClinGen allele CA377590455.